The following is an entry in ClinVar:

NM_000051.4(ATM):c.6654T>C (p.Ser2218=)

Genes: ATM (ATM serine/threonine kinase; plus strand), C11orf65 (chromosome 11 open reading frame 65; minus strand). Cytogenetic location: 11q22.3.
Variant type: single nucleotide variant.
Coding change: c.6654T>C on transcript NM_000051.4 (MANE Select); coding-DNA position 6654, T replaced by C.
Protein change: p.Ser2218=; no amino-acid change (serine 2218 retained).
Molecular consequence: synonymous variant. On other transcripts: intron variant (2).
Genome position (GRCh38, 1-based): chr11:108,325,391, T>C. VCF-style: chr11-108325391-T-C. GRCh37 (hg19) VCF-style: chr11-108196118-T-C.
Other names: c.6654T>C, p.Ser2218= (NM_001351834.2); c.641-16320A>G (NM_001330368.2); c.*38+9829A>G (NM_001351110.2).
Identifiers: ClinVar variation 3253801 (VCV003253801.1), dbSNP rs2136310834.

ClinVar aggregate classification (germline): Benign (1 of 4 stars; one submission).

Conditions:
Familial cancer of breast. Also called: hereditary breast carcinoma; BREAST CANCER, FAMILIAL; Hereditary breast cancer. Identifiers: Orphanet 227535, MedGen C0346153, MONDO:0016419, OMIM 114480. Disease mechanism: loss of function.

Submission:

Myriad Genetics, Inc.
Classification: Benign for Familial cancer of breast. Last evaluated: 2024-06-07. Review status: criteria provided, single submitter. Criteria: Myriad Autosomal Dominant, Autosomal Recessive and X-Linked Classification Criteria (2023). Collection method: clinical testing. Allele origin: unknown.
Comment: This variant is considered benign. This variant is a silent/synonymous amino acid change and it is not expected to impact splicing.